The following is an entry in ClinVar:

NM_001170629.2(CHD8):c.6473_6477del (p.Arg2158fs)

Gene: CHD8 (chromodomain helicase DNA binding protein 8; minus strand). Cytogenetic location: 14q11.2.
Variant type: Deletion.
Coding change: c.6473_6477del on transcript NM_001170629.2 (MANE Select); coding-DNA positions 6473 to 6477, 5 bases deleted (GTGTC; older notation c.6473_6477delGTGTC).
Protein change: p.Arg2158fs; shifts the reading frame from arginine 2158.
Molecular consequence: frameshift variant.
Genome position (GRCh38, 1-based): chr14:21,392,801-21,392,805, GACAC deleted on the plus strand (GTGTC on the coding strand, the reverse complement: CHD8 is on the minus strand); deleting any 5 consecutive bases within chr14:21,392,801-21,392,807 gives the same sequence; the c. name uses the placement nearest the transcript's 3' end. VCF-style (leftmost placement, unchanged base first): chr14-21392800-GGACAC-G. GRCh37 (hg19) VCF-style: chr14-21860959-GGACAC-G.
Other names: c.5636_5640del, p.Arg1879fs (NM_020920.4); short protein forms R1879fs, R2158fs.
Identifiers: ClinVar variation 3664039 (VCV003664039.2).

ClinVar aggregate classification (germline): Pathogenic (1 of 4 stars; one submission).

Submission:

Labcorp Genetics (formerly Invitae), Labcorp
Classification: Pathogenic. Last evaluated: 2024-08-31. Review status: criteria provided, single submitter. Criteria: Invitae Variant Classification Sherloc (09022015). Collection method: clinical testing. Allele origin: germline.
Comment: This sequence change creates a premature translational stop signal (p.Arg2158Profs*6) in the CHD8 gene. It is expected to result in an absent or disrupted protein product. Loss-of-function variants in CHD8 are known to be pathogenic (PMID: 24998929, 26789910). This variant is not present in population databases (gnomAD no frequency). This variant has not been reported in the literature in individuals affected with CHD8-related conditions. For these reasons, this variant has been classified as Pathogenic.

Literature cited by the submitters: PubMed 24998929; PubMed 26789910.